The following is an entry in ClinVar:

ClinVar aggregate classification (germline): Benign/Likely benign. Review status: criteria provided, multiple submitters, no conflicts (2 of 4 stars). 4 submissions from 4 submitters: Benign (2); Likely benign (2). Last evaluated 2025-08-04.

Conditions:
Treacher Collins syndrome 1 (TCS1). Also called: TCOF1-Related Treacher Collins Syndrome. Identifiers: Orphanet 861, MedGen CN315775, MONDO:0007944, OMIM 154500.

Allele frequency attached by ClinVar (database versions not stated): ESP Exome Variant Server 0.00008; gnomAD 0.00009 and 0.00014; TOPMed 0.00012; gnomAD exomes 0.00045; 1000 Genomes Project 30x 0.00047; ExAC 0.00053; 1000 Genomes Project 0.00060.
gnomAD v4.1: 549 of 1,614,242 alleles (0.034%); highest among the groups gnomAD compares: Middle Eastern, 0.38%; 3 homozygotes.

Submissions (4):

Labcorp Genetics (formerly Invitae), Labcorp
Classification: Benign for Treacher Collins syndrome 1. Last evaluated: 2025-08-04. Review status: criteria provided, single submitter. Criteria: Invitae Variant Classification Sherloc (09022015). Collection method: clinical testing. Allele origin: germline.

Blueprint Genetics
Classification: Likely benign. Last evaluated: 2024-11-26. Review status: criteria provided, single submitter. Criteria: ACMG Guidelines, 2015. Collection method: clinical testing. Allele origin: germline.

CeGaT Center for Human Genetics Tuebingen
Classification: Likely benign. Last evaluated: 2024-03-01. Review status: criteria provided, single submitter. Criteria: CeGaT Center For Human Genetics Tuebingen Variant Classification Criteria Version 2. Collection method: clinical testing. Allele origin: germline. Affected: yes. Observed: 1 variant allele.
Comment: TCOF1: BP4, BP7, BS1

GeneDx
Classification: Benign. Last evaluated: 2020-03-04. Review status: criteria provided, single submitter. Criteria: GeneDx Variant Classification Process June 2021. Collection method: clinical testing. Allele origin: germline. Affected: yes.

NM_001371623.1(TCOF1):c.1714T>C (p.Leu572=)

Gene: TCOF1 (treacle ribosome biogenesis factor 1; plus strand). Cytogenetic location: 5q32.
Variant type: single nucleotide variant.
Coding change: c.1714T>C on transcript NM_001371623.1 (MANE Select); coding-DNA position 1714, T replaced by C.
Protein change: p.Leu572=; no amino-acid change (leucine 572 retained).
Molecular consequence: synonymous variant.
Genome position (GRCh38, 1-based): chr5:150,375,730, T>C. VCF-style: chr5-150375730-T-C. GRCh37 (hg19) VCF-style: chr5-149755293-T-C.
Other names: c.1483T>C, p.Leu495= (NM_000356.4, NM_001135245.2); c.1714T>C, p.Leu572= (NM_001008657.3, NM_001135243.2, NM_001135244.2 and 1 more transcripts).
Identifiers: ClinVar variation 766990 (VCV000766990.34), dbSNP rs111705180, ClinGen allele CA3510985.
Genomic context (GRCh38, chr5:150,375,730, plus strand): 5'-GCACACACCTACCCTGGGCTCCCTCTCCCGATCCTGTGTATCTCACTCCAGGAAAAGTCC[T>C]TGGGGAACATCCTCCAGGCCAAACCCACCTCCAGTCCTGCCAAGGGGCCCCCTCAGAAGG-3'
Protein context (NP_001358552.1, residues 562-582): TAVAPAQEKS[Leu572=]GNILQAKPTS